The following is an entry in ClinVar:

ClinVar aggregate classification (germline): Uncertain significance (1 of 4 stars; one submission).

Conditions:
TPO-related disorder. Also called: TPO-related condition.

Submission:

PreventionGenetics, part of Exact Sciences
Classification: Uncertain significance for TPO-related condition. Last evaluated: 2025-07-16. Review status: criteria provided, single submitter. Criteria: ACMG Guidelines, 2015. Collection method: clinical testing. Allele origin: germline.
Comment: The TPO c.1745G>A variant is predicted to result in the amino acid substitution p.Arg582Lys. To our knowledge, this variant has not been reported in the literature or in a large population database (gnomAD), indicating this variant is rare. At this time, the clinical significance of this variant is uncertain due to the absence of conclusive functional and genetic evidence.

NM_001206744.2(TPO):c.1745G>A (p.Arg582Lys)

Genes: LALTOP (lung cancer associated lncRNA targeting TOP2A; minus strand), TPO (thyroid peroxidase; plus strand). Cytogenetic location: 2p25.3.
Variant type: single nucleotide variant.
Coding change: c.1745G>A on transcript NM_001206744.2 (MANE Select); coding-DNA position 1745, G replaced by A.
Protein change: p.Arg582Lys; replaces arginine 582 with lysine.
Molecular consequence: missense variant. On other transcripts: intron variant (2).
Genome position (GRCh38, 1-based): chr2:1,487,968, G>A. VCF-style: chr2-1487968-G-A. GRCh37 (hg19) VCF-style: chr2-1491740-G-A.
Other names: c.1745G>A, p.Arg582Lys (NM_000547.6, NM_175721.3); c.1226G>A, p.Arg409Lys (NM_175722.3); c.1597+3114G>A (NM_175719.4, NM_001206745.2); short protein forms R582K, R409K.
Identifiers: ClinVar variation 4997813 (VCV004997813.1).